The following is an entry in ClinVar:

ClinVar aggregate classification (germline): Pathogenic (1 of 4 stars; one submission).

Submission:

Labcorp Genetics (formerly Invitae), Labcorp
Classification: Pathogenic. Last evaluated: 2023-10-28. Review status: criteria provided, single submitter. Criteria: Invitae Variant Classification Sherloc (09022015). Collection method: clinical testing. Allele origin: germline.
Comment: This sequence change creates a premature translational stop signal (p.Asp1597Metfs*17) in the COL11A2 gene. It is expected to result in an absent or disrupted protein product. Loss-of-function variants in COL11A2 are known to be pathogenic (PMID: 10677296, 21204229). This variant is not present in population databases (gnomAD no frequency). This variant has not been reported in the literature in individuals affected with COL11A2-related conditions. For these reasons, this variant has been classified as Pathogenic.

Literature cited by the submitters: PubMed 10677296; PubMed 21204229.

NM_080680.3(COL11A2):c.4789del (p.Asp1597fs)

Gene: COL11A2 (collagen type XI alpha 2 chain; minus strand). Cytogenetic location: 6p21.32.
Variant type: Deletion.
Coding change: c.4789del on transcript NM_080680.3 (MANE Select); coding-DNA position 4789, one base deleted (G; older notation c.4789delG).
Protein change: p.Asp1597fs; shifts the reading frame from aspartic acid 1597.
Molecular consequence: frameshift variant.
Genome position (GRCh38, 1-based): chr6:33,164,926, C deleted on the plus strand (G on the coding strand, the reverse complement: COL11A2 is on the minus strand); the first of 3 consecutive C bases (chr6:33,164,926-33,164,928); deleting any one gives the same sequence. VCF-style (leftmost placement, unchanged base first): chr6-33164925-TC-T. GRCh37 (hg19) VCF-style: chr6-33132702-TC-T.
Other names: c.4609del, p.Asp1537fs (NM_001424108.1); c.3943del, p.Asp1315fs (NM_001424109.1); c.3763del, p.Asp1255fs (NM_001424110.1, NM_001424111.1); c.2743del, p.Asp915fs (NM_001424112.1); c.4468del, p.Asp1490fs (NM_080679.3); c.4531del, p.Asp1511fs (NM_080681.3); short protein forms D1597fs, D1537fs, D915fs, D1255fs, D1315fs, D1511fs, D1490fs.
Identifiers: ClinVar variation 2874000 (VCV002874000.3), dbSNP rs2534414333, ClinGen allele CA2739273023.